The following is an entry in ClinVar:

NM_001042492.3(NF1):c.345_349del (p.Glu116fs)

Gene: NF1 (neurofibromin 1; plus strand). Cytogenetic location: 17q11.2.
Variant type: Deletion.
Coding change: c.345_349del on transcript NM_001042492.3 (MANE Select); coding-DNA positions 345 to 349, 5 bases deleted (AGAAA; older notation c.345_349delAGAAA).
Protein change: p.Glu116fs; shifts the reading frame from glutamic acid 116.
Molecular consequence: frameshift variant.
Genome position (GRCh38, 1-based): chr17:31,163,242-31,163,246, AGAAA deleted. VCF-style (leftmost placement, unchanged base first): chr17-31163241-CAGAAA-C. GRCh37 (hg19) VCF-style: chr17-29490259-CAGAAA-C.
Other names: c.345_349delAGAAA, p.Glu116Leufs (NM_000267.4); c.345_349del, p.Glu116fs (NM_001128147.3); short protein forms E116fs.
Identifiers: ClinVar variation 2858157 (VCV002858157.3), dbSNP rs2544700568, ClinGen allele CA2739267313.
Genomic context (GRCh38, chr17:31,163,241, plus strand): 5'-TTTAGCAACCAAAGGACACAATGAGATTAGATGAAACGATGCTGGTCAAACAGTTGCTGC[CAGAAA>C]TCTGCCATTTTCTTCACACCTGTCGTGAAGGAAACCAGCATGCAGCTGAACTTCGGAATT-3'

ClinVar aggregate classification (germline): Pathogenic (1 of 4 stars; one submission).

Conditions:
Neurofibromatosis, type 1 (NF1). Also called: VON RECKLINGHAUSEN DISEASE; Neurofibromatosis, type I; Peripheral type neurofibromatosis; NEUROFIBROMATOSIS, TYPE I, SOMATIC. Identifiers: Orphanet 636, MedGen C0027831, MONDO:0018975, OMIM 162200. Disease mechanism: loss of function.

Submission:

Labcorp Genetics (formerly Invitae), Labcorp
Classification: Pathogenic for Neurofibromatosis, type 1. Last evaluated: 2023-04-22. Review status: criteria provided, single submitter. Criteria: Invitae Variant Classification Sherloc (09022015). Collection method: clinical testing. Allele origin: germline.
Comment: For these reasons, this variant has been classified as Pathogenic. This variant has not been reported in the literature in individuals affected with NF1-related conditions. Information on the frequency of this variant in the gnomAD database is not available, as this variant may be reported differently in the database. This sequence change creates a premature translational stop signal (p.Glu116Leufs*9) in the NF1 gene. It is expected to result in an absent or disrupted protein product. Loss-of-function variants in NF1 are known to be pathogenic (PMID: 10712197, 23913538).

Literature cited by the submitters: PubMed 10712197; PubMed 23913538.